The following is an entry in ClinVar:

ClinVar aggregate classification (germline): Pathogenic (1 of 4 stars; one submission).

Submission:

Labcorp Genetics (formerly Invitae), Labcorp
Classification: Pathogenic. Last evaluated: 2023-11-17. Review status: criteria provided, single submitter. Criteria: Invitae Variant Classification Sherloc (09022015). Collection method: clinical testing. Allele origin: germline.
Comment: This sequence change creates a premature translational stop signal (p.Leu84*) in the HPS5 gene. It is expected to result in an absent or disrupted protein product. Loss-of-function variants in HPS5 are known to be pathogenic (PMID: 12548288, 15296495, 21833017, 26785811). This variant is not present in population databases (gnomAD no frequency). This variant has not been reported in the literature in individuals affected with HPS5-related conditions. For these reasons, this variant has been classified as Pathogenic.

Literature cited by the submitters: PubMed 12548288; PubMed 15296495; PubMed 21833017; PubMed 26785811.

NM_181507.2(HPS5):c.251T>G (p.Leu84Ter)

Gene: HPS5 (HPS5 biogenesis of lysosomal organelles complex 2 subunit 2; minus strand). Cytogenetic location: 11p15.1.
Variant type: single nucleotide variant.
Coding change: c.251T>G on transcript NM_181507.2 (MANE Select); coding-DNA position 251, T replaced by G.
Protein change: p.Leu84Ter; replaces leucine 84 with a stop codon.
Molecular consequence: nonsense. On other transcripts: 5 prime UTR variant (1).
Genome position (GRCh38, 1-based): chr11:18,311,420, A>C on the plus strand (T>G on the coding strand, the complement: HPS5 is on the minus strand). VCF-style: chr11-18311420-A-C. GRCh37 (hg19) VCF-style: chr11-18332967-A-C.
Other names: c.-92T>G (NM_007216.4, NM_181508.2); short protein forms L84*.
Identifiers: ClinVar variation 2696417 (VCV002696417.3), dbSNP rs2494207017, ClinGen allele CA379507161.